The following is an entry in ClinVar:

NM_139076.3(ABRAXAS1):c.196C>T (p.Pro66Ser)

Gene: ABRAXAS1 (abraxas 1, BRCA1 A complex subunit; minus strand). Cytogenetic location: 4q21.23.
Variant type: single nucleotide variant.
Coding change: c.196C>T on transcript NM_139076.3 (MANE Select); coding-DNA position 196, C replaced by T.
Protein change: p.Pro66Ser; replaces proline 66 with serine.
Molecular consequence: missense variant. On other transcripts: 5 prime UTR variant (1).
Genome position (GRCh38, 1-based): chr4:83,476,662, G>A on the plus strand (C>T on the coding strand, the complement: ABRAXAS1 is on the minus strand). VCF-style: chr4-83476662-G-A. GRCh37 (hg19) VCF-style: chr4-84397815-G-A.
Other names: c.-65C>T (NM_001345962.2); short protein forms P66S.
Identifiers: ClinVar variation 3447630 (VCV003447630.1).

ClinVar aggregate classification (germline): Uncertain significance (1 of 4 stars; one submission).

Submission:

Ambry Genetics
Classification: Uncertain significance. Last evaluated: 2024-10-11. Review status: criteria provided, single submitter. Criteria: Ambry Variant Classification Scheme 2023. Collection method: clinical testing. Allele origin: germline.
Comment: The p.P66S variant (also known as c.196C>T), located in coding exon 3 of the FAM175A gene, results from a C to T substitution at nucleotide position 196. The proline at codon 66 is replaced by serine, an amino acid with similar properties. This amino acid position is conserved. In addition, this alteration is predicted to be tolerated by in silico analysis. Based on the available evidence, the clinical significance of this variant remains unclear.